The following is an entry in ClinVar:

ClinVar aggregate classification (germline): Uncertain significance (1 of 4 stars; one submission).

Conditions:
Familial cold autoinflammatory syndrome 3 (FCAS3). Also called: FAMILIAL ATYPICAL COLD URTICARIA; ANTIBODY DEFICIENCY AND IMMUNE DYSREGULATION, PLCG2-ASSOCIATED. Identifiers: Orphanet 300359, MedGen C3280914, MONDO:0013766, OMIM 614468.

Allele frequency attached by ClinVar (database versions not stated): ExAC 0.00001; gnomAD 0.00001; TOPMed 0.00001; ESP Exome Variant Server 0.00008.
gnomAD v4.1: 1 of 1,614,004 alleles (0.000062%); highest among the groups gnomAD compares: Non-Finnish European, 0.000085%; no homozygotes.

Submission:

Labcorp Genetics (formerly Invitae), Labcorp
Classification: Uncertain significance for Familial cold autoinflammatory syndrome 3. Last evaluated: 2018-03-28. Review status: criteria provided, single submitter. Criteria: Invitae Variant Classification Sherloc (09022015). Collection method: clinical testing. Allele origin: germline.
Comment: In summary, the available evidence is currently insufficient to determine the role of this variant in disease. Therefore, it has been classified as a Variant of Uncertain Significance. Algorithms developed to predict the effect of missense changes on protein structure and function (SIFT, PolyPhen-2, Align-GVGD) all suggest that this variant is likely to be disruptive, but these predictions have not been confirmed by published functional studies and their clinical significance is uncertain. This variant has not been reported in the literature in individuals with PLCG2-related disease. This variant is present in population databases (rs370429726, ExAC 0.002%). This sequence change replaces tryptophan with serine at codon 532 of the PLCG2 protein (p.Trp532Ser). The tryptophan residue is highly conserved and there is a large physicochemical difference between tryptophan and serine.

NM_002661.5(PLCG2):c.1595G>C (p.Trp532Ser)

Gene: PLCG2 (phospholipase C gamma 2; plus strand). Cytogenetic location: 16q23.3.
Variant type: single nucleotide variant.
Coding change: c.1595G>C on transcript NM_002661.5 (MANE Select); coding-DNA position 1595, G replaced by C.
Protein change: p.Trp532Ser; replaces tryptophan 532 with serine.
Molecular consequence: missense variant.
Genome position (GRCh38, 1-based): chr16:81,908,453, G>C. VCF-style: chr16-81908453-G-C. GRCh37 (hg19) VCF-style: chr16-81942058-G-C.
Other names: short protein forms W532S.
Identifiers: ClinVar variation 568052 (VCV000568052.8), dbSNP rs370429726, ClinGen allele CA8193867.